The following is an entry in ClinVar:

ClinVar aggregate classification (germline): Uncertain significance (1 of 4 stars; one submission).

Conditions:
Emery-Dreifuss muscular dystrophy 4, autosomal dominant (EDMD4). Also called: EMERY-DREIFUSS MUSCULAR DYSTROPHY 4 WITH VARIABLE FEATURES. Identifiers: Orphanet 261, MedGen C2751807, MONDO:0013071, OMIM 612998.

Submission:

Baylor Genetics
Classification: Uncertain significance for Emery-Dreifuss muscular dystrophy 4, autosomal dominant. Last evaluated: 2018-04-11. Review status: criteria provided, single submitter. Criteria: ACMG Guidelines, 2015. Collection method: clinical testing. Allele origin: paternal. Affected: yes.
Comment: This variant was determined to be of uncertain significance according to ACMG Guidelines, 2015 [PMID:25741868].

NM_182961.4(SYNE1):c.21195+14G>C

Gene: SYNE1 (spectrin repeat containing nuclear envelope protein 1; minus strand). Cytogenetic location: 6q25.2.
Variant type: single nucleotide variant.
Coding change: c.21195+14G>C on transcript NM_182961.4 (MANE Select); 14 bases into the intron after coding-DNA position 21195, G replaced by C.
Molecular consequence: intron variant.
Genome position (GRCh38, 1-based): chr6:152,230,533, C>G on the plus strand (G>C on the coding strand, the complement: SYNE1 is on the minus strand). VCF-style: chr6-152230533-C-G. GRCh37 (hg19) VCF-style: chr6-152551668-C-G.
Other names: c.20982+14G>C (NM_033071.5).
Identifiers: ClinVar variation 1033001 (VCV001033001.1), dbSNP rs2082553069, ClinGen allele CA1673229680.